The following is an entry in ClinVar:

NM_005228.5(EGFR):c.3221C>G (p.Thr1074Arg)

Gene: EGFR (epidermal growth factor receptor; plus strand). Cytogenetic location: 7p11.2.
Variant type: single nucleotide variant.
Coding change: c.3221C>G on transcript NM_005228.5 (MANE Select); coding-DNA position 3221, C replaced by G.
Protein change: p.Thr1074Arg; replaces threonine 1074 with arginine.
Molecular consequence: missense variant.
Genome position (GRCh38, 1-based): chr7:55,202,575, C>G. VCF-style: chr7-55202575-C-G. GRCh37 (hg19) VCF-style: chr7-55270268-C-G.
Other names: c.3086C>G, p.Thr1029Arg (NM_001346897.2, NM_001346899.2); c.3221C>G, p.Thr1074Arg (NM_001346898.2); c.3062C>G, p.Thr1021Arg (NM_001346900.2); c.2420C>G, p.Thr807Arg (NM_001346941.2); short protein forms T1029R, T1074R, T1021R, T807R.
Identifiers: ClinVar variation 5035802 (VCV005035802.1).
Genomic context (GRCh38, chr7:55,202,575, plus strand): 5'-AGCTGCAAAGCTGTCCCATCAAGGAAGACAGCTTCTTGCAGCGATACAGCTCAGACCCCA[C>G]AGGCGCCTTGACTGAGGACAGCATAGACGACACCTTCCTCCCAGTGCCTGGTGAGTGGCT-3'
Protein context (NP_005219.2, residues 1064-1084): SFLQRYSSDP[Thr1074Arg]GALTEDSIDD

ClinVar aggregate classification (germline): Uncertain significance (1 of 4 stars; one submission).

Conditions:
Hereditary cancer-predisposing syndrome. Also called: Hereditary Cancer Syndrome; Neoplastic Syndromes, Hereditary; Tumor predisposition; Hereditary neoplastic syndrome. Identifiers: Orphanet 140162, MedGen C0027672, MeSH D009386, MONDO:0015356.

Submission:

Ambry Genetics
Classification: Uncertain significance for Hereditary cancer-predisposing syndrome. Last evaluated: 2026-07-18. Review status: criteria provided, single submitter. Criteria: Ambry Variant Classification Scheme 2023. Collection method: clinical testing. Allele origin: germline.
Comment: The p.T1074R variant (also known as c.3221C>G), located in coding exon 27 of the EGFR gene, results from a C to G substitution at nucleotide position 3221. The threonine at codon 1074 is replaced by arginine, an amino acid with similar properties. This amino acid position is conserved. In addition, the in silico prediction for this alteration is inconclusive. Based on the available evidence, the clinical significance of this variant remains unclear.